The following is an entry in ClinVar:

ClinVar aggregate classification (germline): Uncertain significance. Review status: criteria provided, multiple submitters, no conflicts (2 of 4 stars). 3 submissions from 3 submitters: Uncertain significance (3). Last evaluated 2024-10-14.

Conditions:
Inborn genetic diseases. Identifiers: MedGen C0950123, MeSH D030342.

Allele frequency attached by ClinVar (database versions not stated): ExAC 0.00003; gnomAD exomes 0.00003; gnomAD 0.00006; TOPMed 0.00006; ESP Exome Variant Server 0.00008.
gnomAD v4.1: 264 of 1,605,076 alleles (0.016%); highest among the groups gnomAD compares: Non-Finnish European, 0.021%; no homozygotes.

Submissions (3):

Blueprint Genetics
Classification: Uncertain significance. Last evaluated: 2024-10-14. Review status: criteria provided, single submitter. Criteria: ACMG Guidelines, 2015. Collection method: clinical testing. Allele origin: germline.

Ambry Genetics
Classification: Uncertain significance for Inborn genetic diseases. Last evaluated: 2023-12-15. Review status: criteria provided, single submitter. Criteria: Ambry Variant Classification Scheme 2023. Collection method: clinical testing. Allele origin: germline.

Labcorp Genetics (formerly Invitae), Labcorp
Classification: Uncertain significance. Last evaluated: 2022-07-05. Review status: criteria provided, single submitter. Criteria: Invitae Variant Classification Sherloc (09022015). Collection method: clinical testing. Allele origin: germline.
Comment: This sequence change replaces aspartic acid, which is acidic and polar, with tyrosine, which is neutral and polar, at codon 1185 of the ADAMTS18 protein (p.Asp1185Tyr). This variant is present in population databases (rs368094601, gnomAD 0.006%). This variant has not been reported in the literature in individuals affected with ADAMTS18-related conditions. ClinVar contains an entry for this variant (Variation ID: 840779). Algorithms developed to predict the effect of missense changes on protein structure and function are either unavailable or do not agree on the potential impact of this missense change (SIFT: "Not Available"; PolyPhen-2: "Benign"; Align-GVGD: "Not Available"). In summary, the available evidence is currently insufficient to determine the role of this variant in disease. Therefore, it has been classified as a Variant of Uncertain Significance.

NM_199355.4(ADAMTS18):c.3553G>T (p.Asp1185Tyr)

Gene: ADAMTS18 (ADAM metallopeptidase with thrombospondin type 1 motif 18; minus strand). Cytogenetic location: 16q23.1.
Variant type: single nucleotide variant.
Coding change: c.3553G>T on transcript NM_199355.4 (MANE Select); coding-DNA position 3553, G replaced by T.
Protein change: p.Asp1185Tyr; replaces aspartic acid 1185 with tyrosine.
Molecular consequence: missense variant.
Genome position (GRCh38, 1-based): chr16:77,284,069, C>A on the plus strand (G>T on the coding strand, the complement: ADAMTS18 is on the minus strand). VCF-style: chr16-77284069-C-A. GRCh37 (hg19) VCF-style: chr16-77317966-C-A.
Other names: c.3553G>T (NM_199355.2); c.3037G>T, p.Asp1013Tyr (NM_001326358.2); short protein forms D1185Y, D1013Y.
Identifiers: ClinVar variation 840779 (VCV000840779.8), dbSNP rs368094601, ClinGen allele CA8180352.